The following is an entry in ClinVar:

ClinVar aggregate classification (germline): Likely benign. Review status: criteria provided, multiple submitters, no conflicts (2 of 4 stars). 2 submissions from 2 submitters: Likely benign (2). Last evaluated 2024-12-13.

Conditions:
SERPINA1-related disorder. Also called: SerpinA1-related disorders; SERPINA1-related condition.
Alpha-1-antitrypsin deficiency (A1ATD). Also called: AAT deficiency; A1AT deficiency; Alpha1-Antitrypsin Deficiency. Identifiers: Orphanet 60, MedGen C0221757, MONDO:0013282, OMIM 613490.

Allele frequency attached by ClinVar (database versions not stated): gnomAD 0.00001; gnomAD exomes 0.00001 and 0.00002; ExAC 0.00002; TOPMed 0.00002.
gnomAD v4.1: 8 of 1,614,136 alleles (0.0005%); highest among the groups gnomAD compares: Admixed American, 0.013%; no homozygotes.

Submissions (2):

PreventionGenetics, part of Exact Sciences
Classification: Likely benign for SERPINA1-related condition. Last evaluated: 2024-12-13. Review status: criteria provided, single submitter. Criteria: ACMG Guidelines, 2015. Collection method: clinical testing. Allele origin: germline.
Comment: This variant is classified as likely benign based on ACMG/AMP sequence variant interpretation guidelines (Richards et al. 2015 PMID: 25741868, with internal and published modifications).

Labcorp Genetics (formerly Invitae), Labcorp
Classification: Likely benign for Alpha-1-antitrypsin deficiency. Last evaluated: 2024-04-15. Review status: criteria provided, single submitter. Criteria: Invitae Variant Classification Sherloc (09022015). Collection method: clinical testing. Allele origin: germline.

NM_000295.5(SERPINA1):c.477A>G (p.Lys159=)

Gene: SERPINA1 (serpin family A member 1; minus strand). Cytogenetic location: 14q32.13.
Variant type: single nucleotide variant.
Coding change: c.477A>G on transcript NM_000295.5 (MANE Select); coding-DNA position 477, A replaced by G.
Protein change: p.Lys159=; no amino-acid change (lysine 159 retained).
Molecular consequence: synonymous variant.
Genome position (GRCh38, 1-based): chr14:94,382,761, T>C on the plus strand (A>G on the coding strand, the complement: SERPINA1 is on the minus strand). VCF-style: chr14-94382761-T-C. GRCh37 (hg19) VCF-style: chr14-94849098-T-C.
Other names: c.477A>G, p.Lys159= (NM_001002235.3, NM_001002236.3, NM_001127700.2 and 7 more transcripts); c.477A>G (NM_000295.4).
Identifiers: ClinVar variation 1582165 (VCV001582165.9), dbSNP rs771199057, ClinGen allele CA7327485.